The following is an entry in ClinVar:

ClinVar aggregate classification (germline): Uncertain significance (1 of 4 stars; one submission).

Conditions:
SLC35A2-congenital disorder of glycosylation. Also called: DEVELOPMENTAL AND EPILEPTIC ENCEPHALOPATHY 22; CONGENITAL DISORDER OF GLYCOSYLATION, TYPE IIm; CDG IIm; CONGENITAL DISORDER OF GLYCOSYLATION, TYPE IIm, SOMATIC MOSAIC; EPILEPTIC ENCEPHALOPATHY, EARLY INFANTILE, 22; SLC35A2-CDG. Identifiers: Orphanet 356961, MedGen C3806688, MONDO:0010478, OMIM 300896.

Allele frequency attached by ClinVar (database versions not stated): gnomAD exomes below 0.00001.
gnomAD v4.1: 1 of 1,197,034 alleles (0.000084%); highest among the groups gnomAD compares: African/African-American, 0.0017%; no homozygotes.

Submission:

Labcorp Genetics (formerly Invitae), Labcorp
Classification: Uncertain significance for SLC35A2-congenital disorder of glycosylation. Last evaluated: 2024-02-23. Review status: criteria provided, single submitter. Criteria: Invitae Variant Classification Sherloc (09022015). Collection method: clinical testing. Allele origin: germline.
Comment: This sequence change replaces leucine, which is neutral and non-polar, with phenylalanine, which is neutral and non-polar, at codon 174 of the SLC35A2 protein (p.Leu174Phe). This variant is not present in population databases (gnomAD no frequency). This variant has not been reported in the literature in individuals affected with SLC35A2-related conditions. ClinVar contains an entry for this variant (Variation ID: 2107912). Advanced modeling of protein sequence and biophysical properties (such as structural, functional, and spatial information, amino acid conservation, physicochemical variation, residue mobility, and thermodynamic stability) has been performed at Invitae for this missense variant, however the output from this modeling did not meet the statistical confidence thresholds required to predict the impact of this variant on SLC35A2 protein function. In summary, the available evidence is currently insufficient to determine the role of this variant in disease. Therefore, it has been classified as a Variant of Uncertain Significance.

NM_005660.3(SLC35A2):c.520C>T (p.Leu174Phe)

Gene: SLC35A2 (solute carrier family 35 member A2; minus strand). Cytogenetic location: Xp11.23.
Variant type: single nucleotide variant.
Coding change: c.520C>T on transcript NM_005660.3 (MANE Select); coding-DNA position 520, C replaced by T.
Protein change: p.Leu174Phe; replaces leucine 174 with phenylalanine.
Molecular consequence: missense variant. On other transcripts: intron variant (3).
Genome position (GRCh38, 1-based): chrX:48,905,389, G>A on the plus strand (C>T on the coding strand, the complement: SLC35A2 is on the minus strand). VCF-style: chrX-48905389-G-A. GRCh37 (hg19) VCF-style: chrX-48762666-G-A.
Other names: c.520C>T, p.Leu174Phe (NM_001042498.3); c.337C>T, p.Leu113Phe (NM_001282649.2); c.559C>T, p.Leu187Phe (NM_001282650.2); c.604C>T, p.Leu202Phe (NM_001282651.2); c.427-497C>T (NM_001282647.2, NM_001032289.3); c.355-497C>T (NM_001282648.2); short protein forms L113F, L174F, L202F, L187F.
Identifiers: ClinVar variation 2107912 (VCV002107912.4), dbSNP rs2063483417, ClinGen allele CA412895791.